The following is an entry in ClinVar:

NM_203446.3(SYNJ1):c.2546A>G (p.Tyr849Cys)

Gene: SYNJ1 (synaptojanin 1; minus strand). Cytogenetic location: 21q22.11.
Variant type: single nucleotide variant.
Coding change: c.2546A>G on transcript NM_203446.3 (MANE Select); coding-DNA position 2546, A replaced by G.
Protein change: p.Tyr849Cys; replaces tyrosine 849 with cysteine.
Molecular consequence: missense variant.
Genome position (GRCh38, 1-based): chr21:32,657,036, T>C on the plus strand (A>G on the coding strand, the complement: SYNJ1 is on the minus strand). VCF-style: chr21-32657036-T-C. GRCh37 (hg19) VCF-style: chr21-34029346-T-C.
Other names: c.2546A>G, p.Tyr849Cys (NM_001160302.2); c.2531A>G, p.Tyr844Cys (NM_001160306.2); c.2663A>G, p.Tyr888Cys (NM_003895.4); short protein forms Y888C, Y844C, Y849C.
Identifiers: ClinVar variation 393357 (VCV000393357.8), dbSNP rs1057524877, ClinGen allele CA16609236.

ClinVar aggregate classification (germline): Uncertain significance. Review status: criteria provided, single submitter (1 of 4 stars). 2 submissions from 2 submitters: Uncertain significance (1). 1 of the submissions does not count toward it. Last evaluated 2022-04-21.

Conditions:
Developmental and epileptic encephalopathy, 53. Also called: Epileptic encephalopathy, early infantile, 53. Identifiers: MedGen C4479313, MONDO:0033362, OMIM 617389.
Early-onset Parkinson disease 20. Also called: PARKINSON DISEASE 20, AUTOSOMAL RECESSIVE EARLY-ONSET. Identifiers: Orphanet 391411, MedGen C3809824, MONDO:0014233, OMIM 615530.

Allele frequency attached by ClinVar (database versions not stated): gnomAD exomes below 0.00001.
gnomAD v4.1: 1 of 1,614,194 alleles (0.000062%); highest among the groups gnomAD compares: Non-Finnish European, 0.000085%; no homozygotes.

Submissions (2):

Labcorp Genetics (formerly Invitae), Labcorp
Classification: Uncertain significance for Developmental and epileptic encephalopathy, 53; Early-onset Parkinson disease 20. Last evaluated: 2022-04-21. Review status: criteria provided, single submitter. Criteria: Invitae Variant Classification Sherloc (09022015). Collection method: clinical testing. Allele origin: germline.
Comment: In summary, the available evidence is currently insufficient to determine the role of this variant in disease. Therefore, it has been classified as a Variant of Uncertain Significance. Experimental studies have shown that this missense change affects SYNJ1 function (PMID: 27435091). Algorithms developed to predict the effect of missense changes on protein structure and function (SIFT, PolyPhen-2, Align-GVGD) all suggest that this variant is likely to be disruptive. ClinVar contains an entry for this variant (Variation ID: 393357). This missense change has been observed in individual(s) with SYNJ1-related conditions (PMID: 27435091). It has also been observed to segregate with disease in related individuals. This variant is not present in population databases (gnomAD no frequency). This sequence change replaces tyrosine, which is neutral and polar, with cysteine, which is neutral and slightly polar, at codon 888 of the SYNJ1 protein (p.Tyr888Cys).

OMIM
Classification: Pathogenic for DEVELOPMENTAL AND EPILEPTIC ENCEPHALOPATHY 53. Last evaluated: 2020-11-11. Review status: no assertion criteria provided. Collection method: literature only. Allele origin: germline. Not counted in ClinVar's aggregate classification.

Literature cited by the submitters: PubMed 27435091 (cited by Labcorp Genetics (formerly Invitae), Labcorp and OMIM).